The following is an entry in ClinVar:

ClinVar aggregate classification (germline): Uncertain significance. Review status: criteria provided, multiple submitters, no conflicts (2 of 4 stars). 2 submissions from 2 submitters: Uncertain significance (2). Last evaluated 2025-12-11.

Conditions:
Immunodeficiency-centromeric instability-facial anomalies syndrome 2 (ICF2). Identifiers: Orphanet 2268, MedGen C3279748, MONDO:0013553, OMIM 614069.
Inborn genetic diseases. Identifiers: MedGen C0950123, MeSH D030342.

Allele frequency attached by ClinVar (database versions not stated): gnomAD below 0.00001 and 0.00001; gnomAD exomes 0.00001 and 0.00005; ExAC 0.00003.

Submissions (2):

Ambry Genetics
Classification: Uncertain significance for Inborn genetic diseases. Last evaluated: 2025-12-11. Review status: criteria provided, single submitter. Criteria: Ambry Variant Classification Scheme 2023. Collection method: clinical testing. Allele origin: germline.

Labcorp Genetics (formerly Invitae), Labcorp
Classification: Uncertain significance for Immunodeficiency-centromeric instability-facial anomalies syndrome 2. Last evaluated: 2022-05-30. Review status: criteria provided, single submitter. Criteria: Invitae Variant Classification Sherloc (09022015). Collection method: clinical testing. Allele origin: germline.
Comment: This sequence change replaces serine, which is neutral and polar, with glycine, which is neutral and non-polar, at codon 315 of the ZBTB24 protein (p.Ser315Gly). This variant is present in population databases (rs759942793, gnomAD 0.07%). This variant has not been reported in the literature in individuals affected with ZBTB24-related conditions. ClinVar contains an entry for this variant (Variation ID: 646171). Algorithms developed to predict the effect of missense changes on protein structure and function are either unavailable or do not agree on the potential impact of this missense change (SIFT: "Not Available"; PolyPhen-2: "Possibly Damaging"; Align-GVGD: "Not Available"). In summary, the available evidence is currently insufficient to determine the role of this variant in disease. Therefore, it has been classified as a Variant of Uncertain Significance.

NM_014797.3(ZBTB24):c.943A>G (p.Ser315Gly)

Gene: ZBTB24 (zinc finger and BTB domain containing 24; minus strand). Cytogenetic location: 6q21.
Variant type: single nucleotide variant.
Coding change: c.943A>G on transcript NM_014797.3 (MANE Select); coding-DNA position 943, A replaced by G.
Protein change: p.Ser315Gly; replaces serine 315 with glycine.
Molecular consequence: missense variant.
Genome position (GRCh38, 1-based): chr6:109,481,084, T>C on the plus strand (A>G on the coding strand, the complement: ZBTB24 is on the minus strand). VCF-style: chr6-109481084-T-C. GRCh37 (hg19) VCF-style: chr6-109802287-T-C.
Other names: c.943A>G, p.Ser315Gly (NM_001164313.2); short protein forms S315G.
Identifiers: ClinVar variation 646171 (VCV000646171.8), dbSNP rs759942793, ClinGen allele CA3954254.